The following is an entry in ClinVar:

NM_012338.4(TSPAN12):c.868A>G (p.Thr290Ala)

Gene: TSPAN12 (tetraspanin 12; minus strand). Cytogenetic location: 7q31.31.
Variant type: single nucleotide variant.
Coding change: c.868A>G on transcript NM_012338.4 (MANE Select); coding-DNA position 868, A replaced by G.
Protein change: p.Thr290Ala; replaces threonine 290 with alanine.
Molecular consequence: missense variant.
Genome position (GRCh38, 1-based): chr7:120,788,642, T>C on the plus strand (A>G on the coding strand, the complement: TSPAN12 is on the minus strand). VCF-style: chr7-120788642-T-C. GRCh37 (hg19) VCF-style: chr7-120428696-T-C.
Other names: short protein forms T290A.
Identifiers: ClinVar variation 726065 (VCV000726065.13), dbSNP rs143060523, ClinGen allele CA4453789.
Genomic context (GRCh38, chr7:120,788,642, plus strand): 5'-ACATTTCTTTTTATAACTCCTCCATCTCAAAGTGTGTATTAAAGCTGTTTGCCATGGATG[T>C]GTGTTCAAAGATTCTTGACAGGCTTGGTTTCAACAGTTCTACTGAGGGACATGACAGGTG-3'
Protein context (NP_036470.1, residues 280-300): KPSLSRIFEH[Thr290Ala]SMANSFNTHF

ClinVar aggregate classification (germline): Benign/Likely benign. Review status: criteria provided, multiple submitters, no conflicts (2 of 4 stars). 3 submissions from 3 submitters: Benign (1); Likely benign (1). 1 of the submissions does not count toward it. Last evaluated 2026-02-02.

Conditions:
TSPAN12-related disorder. Also called: TSPAN12-related condition.

Allele frequency attached by ClinVar (database versions not stated): gnomAD exomes 0.00018 and 0.00044; ExAC 0.00054; 1000 Genomes Project 0.00080; 1000 Genomes Project 30x 0.00094; gnomAD 0.00197 and 0.00210; TOPMed 0.00224; ESP Exome Variant Server 0.00277.
gnomAD v4.1: 557 of 1,614,180 alleles (0.035%); highest among the groups gnomAD compares: African/African-American, 0.71%; 4 homozygotes.

Submissions (3):

Labcorp Genetics (formerly Invitae), Labcorp
Classification: Benign. Last evaluated: 2026-02-02. Review status: criteria provided, single submitter. Criteria: Invitae Variant Classification Sherloc (09022015). Collection method: clinical testing. Allele origin: germline.

Blueprint Genetics
Classification: Likely benign. Last evaluated: 2024-11-26. Review status: criteria provided, single submitter. Criteria: ACMG Guidelines, 2015. Collection method: clinical testing. Allele origin: germline.

PreventionGenetics, part of Exact Sciences
Classification: Benign for TSPAN12-related condition. Last evaluated: 2024-08-18. Review status: no assertion criteria provided. Collection method: clinical testing. Allele origin: germline. Not counted in ClinVar's aggregate classification.
Comment: This variant is classified as benign based on ACMG/AMP sequence variant interpretation guidelines (Richards et al. 2015 PMID: 25741868, with internal and published modifications).